The following is an entry in ClinVar:

NM_004333.6(BRAF):c.1177+959A>G

Gene: BRAF (B-Raf proto-oncogene, serine/threonine kinase; minus strand). Cytogenetic location: 7q34.
Variant type: single nucleotide variant.
Coding change: c.1177+959A>G on transcript NM_004333.6 (MANE Select); 959 bases into the intron after coding-DNA position 1177, A replaced by G.
Molecular consequence: intron variant.
Genome position (GRCh38, 1-based): chr7:140,786,589, T>C on the plus strand (A>G on the coding strand, the complement: BRAF is on the minus strand). VCF-style: chr7-140786589-T-C. GRCh37 (hg19) VCF-style: chr7-140486389-T-C.
Other names: c.1177+959A>G (NM_001378474.1, NM_001378468.1, NM_001354609.2 and 1 more transcripts); c.1075+959A>G (NM_001378470.1); c.913+959A>G (NM_001378475.1); c.1141-3506A>G (NM_001378471.1); c.1178-781A>G (NM_001374258.1, NM_001374244.1); c.1186+959A>G (NM_001378467.1); c.1021+959A>G (NM_001378472.1, NM_001378473.1).
Identifiers: ClinVar variation 1676084 (VCV001676084.33), dbSNP rs189896094, ClinGen allele CA168093927.

ClinVar aggregate classification (germline): Likely benign (1 of 4 stars; one submission).

Allele frequency attached by ClinVar (database versions not stated): 1000 Genomes Project 30x 0.00078; 1000 Genomes Project 0.00100; gnomAD 0.00116 and 0.00124; TOPMed 0.00133.
gnomAD v4.1: 174 of 152,324 alleles (0.11%); highest among the groups gnomAD compares: African/African-American, 0.33%; no homozygotes.

Submission:

CeGaT Center for Human Genetics Tuebingen
Classification: Likely benign. Last evaluated: 2026-06-01. Review status: criteria provided, single submitter. Criteria: CeGaT Center For Human Genetics Tuebingen Variant Classification Criteria Version 2. Collection method: clinical testing. Allele origin: germline. Affected: yes. Observed: 3 variant alleles.
Comment: BRAF: BS1